The following is an entry in ClinVar:

ClinVar aggregate classification (germline): Likely benign. Review status: criteria provided, multiple submitters, no conflicts (2 of 4 stars). 2 submissions from 2 submitters: Likely benign (2). Last evaluated 2026-05-01.

Conditions:
Creatine transporter deficiency (CCDS1). Also called: Mental retardation , X-linked with seizures, short stature and midface hypoplasia; Mental retardation , X-linked, with creatine transport deficiency; X-linked creatine transporter deficiency; X-linked creatine deficiency syndrome; SLC6A8-Related Creatine Transporter Deficiency; CREATINE TRANSPORTER DEFECT. Identifiers: Orphanet 52503, MedGen C1845862, MONDO:0010305, OMIM 300352.

Submissions (2):

CeGaT Center for Human Genetics Tuebingen
Classification: Likely benign. Last evaluated: 2026-05-01. Review status: criteria provided, single submitter. Criteria: CeGaT Center For Human Genetics Tuebingen Variant Classification Criteria Version 2. Collection method: clinical testing. Allele origin: germline. Affected: yes. Observed: 1 variant allele.
Comment: SLC6A8: BP4, BP7

Labcorp Genetics (formerly Invitae), Labcorp
Classification: Likely benign for Creatine transporter deficiency. Last evaluated: 2026-01-09. Review status: criteria provided, single submitter. Criteria: Invitae Variant Classification Sherloc (09022015). Collection method: clinical testing. Allele origin: germline.

NM_005629.4(SLC6A8):c.513A>G (p.Thr171=)

Gene: SLC6A8 (solute carrier family 6 member 8; plus strand). Cytogenetic location: Xq28.
Variant type: single nucleotide variant.
Coding change: c.513A>G on transcript NM_005629.4 (MANE Select); coding-DNA position 513, A replaced by G.
Protein change: p.Thr171=; no amino-acid change (threonine 171 retained).
Molecular consequence: synonymous variant.
Genome position (GRCh38, 1-based): chrX:153,691,422, A>G. VCF-style: chrX-153691422-A-G. GRCh37 (hg19) VCF-style: chrX-152956877-A-G.
Other names: c.513A>G, p.Thr171= (NM_001142805.2); c.168A>G, p.Thr56= (NM_001142806.1).
Identifiers: ClinVar variation 2188286 (VCV002188286.6), dbSNP rs2522156096, ClinGen allele CA519344753.